The following is an entry in ClinVar:

NM_032608.7(MYO18B):c.4351T>C (p.Phe1451Leu)

Genes: MYO18B (myosin XVIIIB; plus strand), MYO18B-AS1 (MYO18B antisense RNA 1; minus strand). Cytogenetic location: 22q12.1.
Variant type: single nucleotide variant.
Coding change: c.4351T>C on transcript NM_032608.7 (MANE Select); coding-DNA position 4351, T replaced by C.
Protein change: p.Phe1451Leu; replaces phenylalanine 1451 with leucine.
Molecular consequence: missense variant.
Genome position (GRCh38, 1-based): chr22:25,890,792, T>C. VCF-style: chr22-25890792-T-C. GRCh37 (hg19) VCF-style: chr22-26286759-T-C.
Other names: c.4354T>C, p.Phe1452Leu (NM_001318245.2); short protein forms F1451L, F1452L.
Identifiers: ClinVar variation 2960135 (VCV002960135.3), dbSNP rs1266541897, ClinGen allele CA411009083.

ClinVar aggregate classification (germline): Uncertain significance (1 of 4 stars; one submission).

Allele frequency attached by ClinVar (database versions not stated): gnomAD 0.00001; TOPMed 0.00001.
gnomAD v4.1: 1 of 1,613,814 alleles (0.000062%); highest among the groups gnomAD compares: African/African-American, 0.0013%; no homozygotes.

Submission:

Labcorp Genetics (formerly Invitae), Labcorp
Classification: Uncertain significance. Last evaluated: 2024-02-14. Review status: criteria provided, single submitter. Criteria: Invitae Variant Classification Sherloc (09022015). Collection method: clinical testing. Allele origin: germline.
Comment: This sequence change replaces phenylalanine, which is neutral and non-polar, with leucine, which is neutral and non-polar, at codon 1451 of the MYO18B protein (p.Phe1451Leu). This variant is not present in population databases (gnomAD no frequency). This variant has not been reported in the literature in individuals affected with MYO18B-related conditions. An algorithm developed to predict the effect of missense changes on protein structure and function (PolyPhen-2) suggests that this variant is likely to be tolerated. In summary, the available evidence is currently insufficient to determine the role of this variant in disease. Therefore, it has been classified as a Variant of Uncertain Significance.